The following is an entry in ClinVar:

ClinVar aggregate classification (germline): Uncertain significance (1 of 4 stars; one submission).

Conditions:
Hereditary cancer-predisposing syndrome. Also called: Neoplastic Syndromes, Hereditary; Tumor predisposition; Hereditary Cancer Syndrome; Hereditary neoplastic syndrome. Identifiers: Orphanet 140162, MedGen C0027672, MeSH D009386, MONDO:0015356.

Submission:

Ambry Genetics
Classification: Uncertain significance for Hereditary cancer-predisposing syndrome. Last evaluated: 2025-12-20. Review status: criteria provided, single submitter. Criteria: Ambry Variant Classification Scheme 2023. Collection method: clinical testing. Allele origin: germline.
Comment: The p.A253P variant (also known as c.757G>C), located in coding exon 7 of the FANCC gene, results from a G to C substitution at nucleotide position 757. The alanine at codon 253 is replaced by proline, an amino acid with highly similar properties. This amino acid position is conserved. In addition, the in silico prediction for this alteration is inconclusive. Based on the available evidence, the clinical significance of this variant remains unclear.

NM_000136.3(FANCC):c.757G>C (p.Ala253Pro)

Genes: AOPEP (aminopeptidase O (putative); plus strand), FANCC (FA complementation group C; minus strand). Cytogenetic location: 9q22.32.
Variant type: single nucleotide variant.
Coding change: c.757G>C on transcript NM_000136.3 (MANE Select); coding-DNA position 757, G replaced by C.
Protein change: p.Ala253Pro; replaces alanine 253 with proline.
Molecular consequence: missense variant.
Genome position (GRCh38, 1-based): chr9:95,135,432, C>G on the plus strand (G>C on the coding strand, the complement: FANCC is on the minus strand). VCF-style: chr9-95135432-C-G. GRCh37 (hg19) VCF-style: chr9-97897714-C-G.
Other names: c.757G>C, p.Ala253Pro (NM_001243743.2, NM_001243744.2); short protein forms A253P.
Identifiers: ClinVar variation 4842786 (VCV004842786.1).